The following is an entry in ClinVar:

ClinVar aggregate classification (germline): Likely benign. Review status: criteria provided, multiple submitters, no conflicts (2 of 4 stars). 3 submissions from 3 submitters: Likely benign (2). 1 of the submissions does not count toward it. Last evaluated 2025-08-24.

Conditions:
Bardet-Biedl syndrome (BBS). Identifiers: Orphanet 110, MedGen C0752166, MONDO:0015229.
BBS4-related disorder. Also called: BBS4-related condition.

Allele frequency attached by ClinVar (database versions not stated): ExAC 0.00001; gnomAD 0.00001; gnomAD exomes 0.00002 and 0.00008; TOPMed 0.00002; ESP Exome Variant Server 0.00015.
gnomAD v4.1: 121 of 1,614,004 alleles (0.0075%); highest among the groups gnomAD compares: Non-Finnish European, 0.0097%; 1 homozygote.

Submissions (3):

Labcorp Genetics (formerly Invitae), Labcorp
Classification: Likely benign for Bardet-Biedl syndrome. Last evaluated: 2025-08-24. Review status: criteria provided, single submitter. Criteria: Invitae Variant Classification Sherloc (09022015). Collection method: clinical testing. Allele origin: germline.

Blueprint Genetics
Classification: Likely benign. Last evaluated: 2023-11-14. Review status: criteria provided, single submitter. Criteria: ACMG Guidelines, 2015. Collection method: clinical testing. Allele origin: germline.

PreventionGenetics, part of Exact Sciences
Classification: Likely benign for BBS4-related condition. Last evaluated: 2019-12-10. Review status: no assertion criteria provided. Collection method: clinical testing. Allele origin: germline. Not counted in ClinVar's aggregate classification.
Comment: This variant is classified as likely benign based on ACMG/AMP sequence variant interpretation guidelines (Richards et al. 2015 PMID: 25741868, with internal and published modifications).

NM_033028.5(BBS4):c.546A>G (p.Gly182=)

Gene: BBS4 (Bardet-Biedl syndrome 4; plus strand). Cytogenetic location: 15q24.1.
Variant type: single nucleotide variant.
Coding change: c.546A>G on transcript NM_033028.5 (MANE Select); coding-DNA position 546, A replaced by G.
Protein change: p.Gly182=; no amino-acid change (glycine 182 retained).
Molecular consequence: synonymous variant. On other transcripts: non-coding transcript variant (2).
Genome position (GRCh38, 1-based): chr15:72,724,614, A>G. VCF-style: chr15-72724614-A-G. GRCh37 (hg19) VCF-style: chr15-73016955-A-G.
Other names: c.30A>G, p.Gly10= (NM_001252678.2); c.546A>G, p.Gly182= (NM_001320665.2).
Identifiers: ClinVar variation 698444 (VCV000698444.13), dbSNP rs147218625, ClinGen allele CA7646670.
Genomic context (GRCh38, chr15:72,724,614, plus strand): 5'-GAATCTTAATAGGCACGATCTGACTTATATAATGCTGGGGAAGATCCACTTGCTGGAGGG[A>G]GACTTGGACAAGGCCATTGAAGTCTACAAGAAAGCAGTGGAGTAAGTGTATCTGTTTCCT-3'
Protein context (NP_149017.2, residues 172-192): IMLGKIHLLE[Gly182=]DLDKAIEVYK